The following is an entry in ClinVar:

NM_001003800.2(BICD2):c.641G>A (p.Arg214His)

Gene: BICD2 (BICD cargo adaptor 2; minus strand). Cytogenetic location: 9q22.31.
Variant type: single nucleotide variant.
Coding change: c.641G>A on transcript NM_001003800.2 (MANE Select); coding-DNA position 641, G replaced by A.
Protein change: p.Arg214His; replaces arginine 214 with histidine.
Molecular consequence: missense variant.
Genome position (GRCh38, 1-based): chr9:92,720,721, C>T on the plus strand (G>A on the coding strand, the complement: BICD2 is on the minus strand). VCF-style: chr9-92720721-C-T. GRCh37 (hg19) VCF-style: chr9-95483003-C-T.
Other names: c.641G>A, p.Arg214His (NM_015250.4); short protein forms R214H.
Identifiers: ClinVar variation 844704 (VCV000844704.11), dbSNP rs373760993, ClinGen allele CA5126751.
Genomic context (GRCh38, chr9:92,720,721, plus strand): 5'-TCCTTGAGGCGGATGGCATCCTCCAGCTGGCTGTTGAGGTACTCGGTCTCCTCCTCCAGA[C>T]GCTTGATCTCATGCTTGAGGCCCTCAAACTCCACCTGGGAAGAGAAGTCAACGCTCTTGC-3'
Protein context (NP_001003800.1, residues 204-224): EFEGLKHEIK[Arg214His]LEEETEYLNS

ClinVar aggregate classification (germline): Conflicting classifications of pathogenicity. Review status: criteria provided, conflicting classifications (1 of 4 stars). 2 submissions from 2 submitters: Uncertain significance (1); Likely benign (1). Last evaluated 2025-08-17.

Conditions:
Inborn genetic diseases. Identifiers: MedGen C0950123, MeSH D030342.
Autosomal dominant childhood-onset proximal spinal muscular atrophy with contractures (SMALED2A). Also called: Spinal muscular atrophy, lower extremity-predominant, 2A, autosomal dominant; SPINAL MUSCULAR ATROPHY, LOWER EXTREMITY-PREDOMINANT, 2A, CHILDHOOD ONSET, AUTOSOMAL DOMINANT. Identifiers: Orphanet 363447, Orphanet 363454, MedGen C4747715, MONDO:0014121, OMIM 615290.

Allele frequency attached by ClinVar (database versions not stated): ExAC 0.00002; gnomAD exomes 0.00002; ESP Exome Variant Server 0.00008.
gnomAD v4.1: 13 of 1,614,118 alleles (0.00081%); highest among the groups gnomAD compares: Admixed American, 0.0017%; no homozygotes.

Submissions (2):

Labcorp Genetics (formerly Invitae), Labcorp
Classification: Likely benign for Autosomal dominant childhood-onset proximal spinal muscular atrophy with contractures. Last evaluated: 2025-08-17. Review status: criteria provided, single submitter. Criteria: Invitae Variant Classification Sherloc (09022015). Collection method: clinical testing. Allele origin: germline.

Ambry Genetics
Classification: Uncertain significance for Inborn genetic diseases. Last evaluated: 2022-08-17. Review status: criteria provided, single submitter. Criteria: Ambry Variant Classification Scheme 2023. Collection method: clinical testing. Allele origin: germline.